The following is an entry in ClinVar:

ClinVar aggregate classification (germline): Uncertain significance. Review status: criteria provided, multiple submitters, no conflicts (2 of 4 stars). 2 submissions from 2 submitters: Uncertain significance (2). Last evaluated 2026-01-01.

gnomAD v4.1: 5 of 1,614,226 alleles (0.00031%); highest among the groups gnomAD compares: Non-Finnish European, 0.00025%; no homozygotes.

Submissions (2):

CeGaT Center for Human Genetics Tuebingen
Classification: Uncertain significance. Last evaluated: 2026-01-01. Review status: criteria provided, single submitter. Criteria: CeGaT Center For Human Genetics Tuebingen Variant Classification Criteria Version 2. Collection method: clinical testing. Allele origin: germline. Affected: yes. Observed: 1 variant allele.
Comment: CDHR1: PM2, BP4

Blueprint Genetics
Classification: Uncertain significance. Last evaluated: 2022-11-04. Review status: criteria provided, single submitter. Criteria: ACMG Guidelines, 2015. Collection method: clinical testing. Allele origin: germline.

NM_033100.4(CDHR1):c.236G>T (p.Ser79Ile)

Gene: CDHR1 (cadherin related family member 1; plus strand). Cytogenetic location: 10q23.1.
Variant type: single nucleotide variant.
Coding change: c.236G>T on transcript NM_033100.4 (MANE Select); coding-DNA position 236, G replaced by T.
Protein change: p.Ser79Ile; replaces serine 79 with isoleucine.
Molecular consequence: missense variant.
Genome position (GRCh38, 1-based): chr10:84,196,589, G>T. VCF-style: chr10-84196589-G-T. GRCh37 (hg19) VCF-style: chr10-85956345-G-T.
Other names: c.236G>T, p.Ser79Ile (NM_001171971.3); short protein forms S79I.
Identifiers: ClinVar variation 4821595 (VCV004821595.5).
Genomic context (GRCh38, chr10:84,196,589, plus strand): 5'-GGACAGACCCTGAGGGAGACCCCATCTCCTACCACATCAGCTTTGACCCCAGCACTAGAA[G>T]CGTCTTTTCTGTTGACCCCACTTTTGGAAACATCACCCTGGTTGAAGAGCTGGACAGAGA-3'
Protein context (NP_149091.1, residues 69-89): YHISFDPSTR[Ser79Ile]VFSVDPTFGN